The following is an entry in ClinVar:

ClinVar aggregate classification (germline): Benign/Likely benign. Review status: criteria provided, multiple submitters, no conflicts (2 of 4 stars). 10 submissions from 10 submitters: Benign (1); Likely benign (9). Last evaluated 2026-01-13.

Conditions:
Familial adenomatous polyposis 1 (FAP1). Also called: FAMILIAL ADENOMATOUS POLYPOSIS 1, ATTENUATED; POLYPOSIS, ADENOMATOUS INTESTINAL. Identifiers: MedGen C2713442, MONDO:0021056, OMIM 175100. Disease mechanism: loss of function.
Classic or attenuated familial adenomatous polyposis. Identifiers: MedGen CN372698, MONDO:0021057.
Hereditary cancer-predisposing syndrome. Also called: Hereditary neoplastic syndrome; Tumor predisposition; Neoplastic Syndromes, Hereditary; Hereditary Cancer Syndrome. Identifiers: Orphanet 140162, MedGen C0027672, MeSH D009386, MONDO:0015356.

Allele frequency attached by ClinVar (database versions not stated): TOPMed 0.00002; gnomAD 0.00001; gnomAD exomes 0.00001.
gnomAD v4.1: 21 of 1,613,854 alleles (0.0013%); highest among the groups gnomAD compares: Middle Eastern, 0.016%; no homozygotes.

Submissions (10):

Labcorp Genetics (formerly Invitae), Labcorp
Classification: Likely benign for Familial adenomatous polyposis 1. Last evaluated: 2026-01-13. Review status: criteria provided, single submitter. Criteria: Invitae Variant Classification Sherloc (09022015). Collection method: clinical testing. Allele origin: germline.

Women's Health and Genetics/Laboratory Corporation of America, LabCorp
Classification: Likely benign. Last evaluated: 2024-09-26. Review status: criteria provided, single submitter. Criteria: LabCorp Variant Classification Summary - May 2015. Collection method: clinical testing. Allele origin: germline.

Myriad Genetics, Inc.
Classification: Benign for Familial adenomatous polyposis 1. Last evaluated: 2024-04-11. Review status: criteria provided, single submitter. Criteria: Myriad Autosomal Dominant, Autosomal Recessive and X-Linked Classification Criteria (2023). Collection method: clinical testing. Allele origin: unknown.
Comment: This variant is considered benign. This variant is a silent/synonymous amino acid change and it is not expected to impact splicing.

CeGaT Center for Human Genetics Tuebingen
Classification: Likely benign. Last evaluated: 2023-12-01. Review status: criteria provided, single submitter. Criteria: CeGaT Center For Human Genetics Tuebingen Variant Classification Criteria Version 2. Collection method: clinical testing. Allele origin: germline. Affected: yes. Observed: 1 variant allele.
Comment: APC: BP4, BP7

All of Us Research Program, National Institutes of Health
Classification: Likely benign for Classic or attenuated familial adenomatous polyposis. Last evaluated: 2023-07-22. Review status: criteria provided, single submitter. Criteria: ACMG Guidelines, 2015. Collection method: clinical testing. Allele origin: germline. Inheritance: Autosomal dominant inheritance. Observed: 4 variant alleles, 4 heterozygotes.
Comment: This study involves interpretation of variants in research participants for the purpose of population health screening. Participant phenotype was not available at the time of variant classification. Additional details can be found in publication PMID: 35346344, PMCID: PMC8962531

Department of Pathology and Laboratory Medicine, Sinai Health System
Classification: Likely benign for classic or attenuated familial adenomatous polyposis. Last evaluated: 2023-03-24. Review status: criteria provided, single submitter. Criteria: ACMG Guidelines, 2015. Collection method: clinical testing. Allele origin: germline. Affected: yes.

Sema4
Classification: Likely benign for Hereditary cancer-predisposing syndrome. Last evaluated: 2021-10-19. Review status: criteria provided, single submitter. Criteria: Sema4 Curation Guidelines. Collection method: curation. Allele origin: germline.

GeneDx
Classification: Likely benign. Last evaluated: 2020-04-20. Review status: criteria provided, single submitter. Criteria: GeneDx Variant Classification Process June 2021. Collection method: clinical testing. Allele origin: germline. Affected: yes.

Ambry Genetics
Classification: Likely benign for Hereditary cancer-predisposing syndrome. Last evaluated: 2018-06-07. Review status: criteria provided, single submitter. Criteria: Ambry Variant Classification Scheme 2023. Collection method: clinical testing. Allele origin: germline.

Color Diagnostics, LLC DBA Color Health
Classification: Likely benign for Hereditary cancer-predisposing syndrome. Last evaluated: 2017-09-05. Review status: criteria provided, single submitter. Criteria: ACMG Guidelines, 2015. Collection method: clinical testing. Allele origin: germline.

NM_000038.6(APC):c.7977G>A (p.Val2659=)

Gene: APC (APC regulator of Wnt signaling pathway; plus strand). Cytogenetic location: 5q22.2.
Variant type: single nucleotide variant.
Coding change: c.7977G>A on transcript NM_000038.6 (MANE Select); coding-DNA position 7977, G replaced by A.
Protein change: p.Val2659=; no amino-acid change (valine 2659 retained).
Molecular consequence: synonymous variant.
Genome position (GRCh38, 1-based): chr5:112,843,571, G>A. VCF-style: chr5-112843571-G-A. GRCh37 (hg19) VCF-style: chr5-112179268-G-A.
Other names: c.7977G>A, p.Val2659= (NM_001127510.3, NM_001354895.2); c.7923G>A, p.Val2641= (NM_001127511.3); c.8031G>A, p.Val2677= (NM_001354896.2); c.8007G>A, p.Val2669= (NM_001354897.2); c.7902G>A, p.Val2634= (NM_001354898.2); c.7893G>A, p.Val2631= (NM_001354899.2); c.7854G>A, p.Val2618= (NM_001354900.2); c.7800G>A, p.Val2600= (NM_001354901.2); and 5 more.
Identifiers: ClinVar variation 470120 (VCV000470120.46), dbSNP rs1392424178, ClinGen allele CA446210995.